The following is an entry in ClinVar:

NM_005732.4(RAD50):c.1538A>G (p.Asp513Gly)

Gene: RAD50 (RAD50 double strand break repair protein; plus strand). Cytogenetic location: 5q31.1.
Variant type: single nucleotide variant.
Coding change: c.1538A>G on transcript NM_005732.4 (MANE Select); coding-DNA position 1538, A replaced by G.
Protein change: p.Asp513Gly; replaces aspartic acid 513 with glycine.
Molecular consequence: missense variant.
Genome position (GRCh38, 1-based): chr5:132,591,309, A>G. VCF-style: chr5-132591309-A-G. GRCh37 (hg19) VCF-style: chr5-131927001-A-G.
Other names: short protein forms D513G.
Identifiers: ClinVar variation 1407737 (VCV001407737.10), dbSNP rs529795802, ClinGen allele CA360945775.

ClinVar aggregate classification (germline): Uncertain significance. Review status: criteria provided, multiple submitters, no conflicts (2 of 4 stars). 2 submissions from 2 submitters: Uncertain significance (2). Last evaluated 2025-05-23.

Conditions:
Hereditary cancer-predisposing syndrome. Also called: Hereditary Cancer Syndrome; Tumor predisposition; Hereditary neoplastic syndrome; Neoplastic Syndromes, Hereditary. Identifiers: Orphanet 140162, MedGen C0027672, MeSH D009386, MONDO:0015356.

Submissions (2):

Labcorp Genetics (formerly Invitae), Labcorp
Classification: Uncertain significance for Hereditary cancer-predisposing syndrome. Last evaluated: 2025-05-23. Review status: criteria provided, single submitter. Criteria: Invitae Variant Classification Sherloc (09022015). Collection method: clinical testing. Allele origin: germline.
Comment: This sequence change replaces aspartic acid, which is acidic and polar, with glycine, which is neutral and non-polar, at codon 513 of the RAD50 protein (p.Asp513Gly). This variant is not present in population databases (gnomAD no frequency). This variant has not been reported in the literature in individuals affected with RAD50-related conditions. ClinVar contains an entry for this variant (Variation ID: 1407737). Invitae Evidence Modeling of protein sequence and biophysical properties (such as structural, functional, and spatial information, amino acid conservation, physicochemical variation, residue mobility, and thermodynamic stability) indicates that this missense variant is not expected to disrupt RAD50 protein function with a negative predictive value of 80%. In summary, the available evidence is currently insufficient to determine the role of this variant in disease. Therefore, it has been classified as a Variant of Uncertain Significance.

Ambry Genetics
Classification: Uncertain significance for Hereditary cancer-predisposing syndrome. Last evaluated: 2020-04-15. Review status: criteria provided, single submitter. Criteria: Ambry Variant Classification Scheme 2023. Collection method: clinical testing. Allele origin: germline.
Comment: The p.D513G variant (also known as c.1538A>G), located in coding exon 10 of the RAD50 gene, results from an A to G substitution at nucleotide position 1538. The aspartic acid at codon 513 is replaced by glycine, an amino acid with similar properties. This amino acid position is well conserved in available vertebrate species. In addition, this alteration is predicted to be tolerated by in silico analysis. Since supporting evidence is limited at this time, the clinical significance of this alteration remains unclear.